The following is an entry in ClinVar:

NM_017837.4(PIGV):c.1406G>A (p.Arg469Gln)

Gene: PIGV (phosphatidylinositol glycan anchor biosynthesis class V; plus strand). Cytogenetic location: 1p36.11.
Variant type: single nucleotide variant.
Coding change: c.1406G>A on transcript NM_017837.4 (MANE Select); coding-DNA position 1406, G replaced by A.
Protein change: p.Arg469Gln; replaces arginine 469 with glutamine.
Molecular consequence: missense variant. On other transcripts: non-coding transcript variant (2).
Genome position (GRCh38, 1-based): chr1:26,797,768, G>A. VCF-style: chr1-26797768-G-A. GRCh37 (hg19) VCF-style: chr1-27124259-G-A.
Other names: c.1406G>A, p.Arg469Gln (NM_001202554.2, NM_001374478.1, NM_001374480.1 and 2 more transcripts); c.1025G>A, p.Arg342Gln (NM_001374483.1); c.779G>A, p.Arg260Gln (NM_001374484.1, NM_001374485.1); c.284G>A, p.Arg95Gln (NM_001374486.1); short protein forms R260Q, R342Q, R469Q, R95Q.
Identifiers: ClinVar variation 4074565 (VCV004074565.1).

ClinVar aggregate classification (germline): Uncertain significance (1 of 4 stars; one submission).

gnomAD v4.1: 9 of 1,613,806 alleles (0.00056%); highest among the groups gnomAD compares: African/African-American, 0.0013%; no homozygotes.

Submission:

GeneDx
Classification: Uncertain significance. Last evaluated: 2025-02-11. Review status: criteria provided, single submitter. Criteria: GeneDx Variant Classification Process June 2021. Collection method: clinical testing. Allele origin: germline. Affected: yes.
Comment: Not observed at significant frequency in large population cohorts (gnomAD); In silico analysis indicates that this missense variant does not alter protein structure/function; Has not been previously published as pathogenic or benign to our knowledge